The following is an entry in ClinVar:

ClinVar aggregate classification (germline): Pathogenic/Likely pathogenic. Review status: criteria provided, multiple submitters, no conflicts (2 of 4 stars). 3 submissions from 3 submitters: Pathogenic (2); Likely pathogenic (1). Last evaluated 2023-08-04.

Conditions:
Retinal dystrophy. Also called: Inherited retinal dystrophy. Identifiers: Orphanet 71862, MedGen C0854723, MeSH D058499, MONDO:0019118, HP:0000556.
Retinitis pigmentosa 39 (RP39). Identifiers: Orphanet 791, MedGen C3151138, MONDO:0013436, OMIM 613809.

Submissions (3):

Labcorp Genetics (formerly Invitae), Labcorp
Classification: Pathogenic. Last evaluated: 2023-08-04. Review status: criteria provided, single submitter. Criteria: Invitae Variant Classification Sherloc (09022015). Collection method: clinical testing. Allele origin: germline.
Comment: For these reasons, this variant has been classified as Pathogenic. This variant has not been reported in the literature in individuals affected with USH2A-related conditions. This variant is present in population databases (rs749309938, gnomAD 0.003%). This sequence change creates a premature translational stop signal (p.Arg2354Alafs*6) in the USH2A gene. It is expected to result in an absent or disrupted protein product. Loss-of-function variants in USH2A are known to be pathogenic (PMID: 10729113, 10909849, 20507924, 25649381).

Baylor Genetics
Classification: Likely pathogenic for Retinitis pigmentosa 39. Last evaluated: 2023-07-29. Review status: criteria provided, single submitter. Criteria: ACMG Guidelines, 2015. Collection method: clinical testing. Allele origin: unknown.

Institute of Human Genetics, Univ. Regensburg, Univ. Regensburg
Classification: Pathogenic for Retinal dystrophy. Last evaluated: 2022-01-01. Review status: criteria provided, single submitter. Criteria: ACMG Guidelines, 2015. Collection method: clinical testing. Allele origin: germline. Affected: yes.

Literature cited by the submitters: PubMed 10729113 (cited by Labcorp Genetics (formerly Invitae), Labcorp); PubMed 10909849 (cited by Labcorp Genetics (formerly Invitae), Labcorp); PubMed 20507924 (cited by Labcorp Genetics (formerly Invitae), Labcorp); PubMed 25649381 (cited by Labcorp Genetics (formerly Invitae), Labcorp); PubMed 31964843 (cited by Institute of Human Genetics, Univ. Regensburg, Univ. Regensburg).

NM_206933.4(USH2A):c.7059del (p.Arg2354fs)

Gene: USH2A (usherin; minus strand). Cytogenetic location: 1q41.
Variant type: Deletion.
Coding change: c.7059del on transcript NM_206933.4 (MANE Select); coding-DNA position 7059, one base deleted (T; older notation c.7059delT).
Protein change: p.Arg2354fs; shifts the reading frame from arginine 2354.
Molecular consequence: frameshift variant.
Genome position (GRCh38, 1-based): chr1:215,965,378, A deleted on the plus strand (T on the coding strand, the reverse complement: USH2A is on the minus strand); the first of 4 consecutive A bases (chr1:215,965,378-215,965,381); deleting any one gives the same sequence. VCF-style (leftmost placement, unchanged base first): chr1-215965377-GA-G. GRCh37 (hg19) VCF-style: chr1-216138719-GA-G.
Other names: short protein forms R2354fs.
Identifiers: ClinVar variation 2679481 (VCV002679481.5), dbSNP rs749309938, ClinGen allele CA1394958.
Genomic context (GRCh38, chr1:215,965,377, plus strand): 5'-CTGGGTCTACATAGAATATCCCAGTGAAAAGGACTGAGTGTGTTAAGAGTCCATTAGGGC[GA>G]AAAGGTGCTTCCCACCTCACGTGGGCTTTCCGGGATCCCTGTGTTTTGACAAACACATTT-3'